The following is an entry in ClinVar:

NM_003458.4(BSN):c.9566A>G (p.Tyr3189Cys)

Gene: BSN (bassoon presynaptic cytomatrix protein; plus strand). Cytogenetic location: 3p21.31.
Variant type: single nucleotide variant.
Coding change: c.9566A>G on transcript NM_003458.4 (MANE Select); coding-DNA position 9566, A replaced by G.
Protein change: p.Tyr3189Cys; replaces tyrosine 3189 with cysteine.
Molecular consequence: missense variant.
Genome position (GRCh38, 1-based): chr3:49,661,411, A>G. VCF-style: chr3-49661411-A-G. GRCh37 (hg19) VCF-style: chr3-49698844-A-G.
Other names: short protein forms Y3189C.
Identifiers: ClinVar variation 5037514 (VCV005037514.1).
Genomic context (GRCh38, chr3:49,661,411, plus strand): 5'-TGCCCATGTCTTCAGCCCCATCTGAAACCAGCTACAGTGGCCCAGCAGTGAGCAGCGGCT[A>G]TGAGCAGGGCAAGGTCCCTGAGGTGCCCCGGGCTGGTGACCGTGGCAGTGTGAGCCAGAG-3'
Protein context (NP_003449.2, residues 3179-3199): SYSGPAVSSG[Tyr3189Cys]EQGKVPEVPR

ClinVar aggregate classification (germline): Uncertain significance (1 of 4 stars; one submission).

gnomAD v4.1: 3 of 1,613,802 alleles (0.00019%); highest among the groups gnomAD compares: Middle Eastern, 0.017%; no homozygotes.

Submission:

GeneDx
Classification: Uncertain significance. Last evaluated: 2026-04-21. Review status: criteria provided, single submitter. Criteria: GeneDx Variant Classification Process June 2021. Collection method: clinical testing. Allele origin: germline.
Comment: Not observed at significant frequency in large population cohorts (gnomAD); In silico analysis supports that this missense variant has a deleterious effect on protein structure/function; Has not been previously published as pathogenic or benign to our knowledge